The following is an entry in ClinVar:

ClinVar aggregate classification (germline): Likely benign (1 of 4 stars; one submission).

Allele frequency attached by ClinVar (database versions not stated): 1000 Genomes Project 0.00379; 1000 Genomes Project 30x 0.00453; gnomAD exomes 0.00737; ExAC 0.00793; gnomAD 0.00854.
gnomAD v4.1: 12,010 of 1,600,040 alleles (0.75%); highest among the groups gnomAD compares: Middle Eastern, 1%; 112 homozygotes.

Submission:

CeGaT Center for Human Genetics Tuebingen
Classification: Likely benign. Last evaluated: 2026-06-01. Review status: criteria provided, single submitter. Criteria: CeGaT Center For Human Genetics Tuebingen Variant Classification Criteria Version 2. Collection method: clinical testing. Allele origin: germline. Affected: yes. Observed: 5 variant alleles.
Comment: SIGLEC10: BP4, BP7, BS2

NM_033130.5(SIGLEC10):c.939G>A (p.Val313=)

Genes: SIGLEC10 (sialic acid binding Ig like lectin 10; minus strand), SIGLEC10-AS1 (SIGLEC10 antisense RNA 1; plus strand). Cytogenetic location: 19q13.41.
Variant type: single nucleotide variant.
Coding change: c.939G>A on transcript NM_033130.5 (MANE Select); coding-DNA position 939, G replaced by A.
Protein change: p.Val313=; no amino-acid change (valine 313 retained).
Molecular consequence: synonymous variant. On other transcripts: intron variant (2), non-coding transcript variant (2).
Genome position (GRCh38, 1-based): chr19:51,415,983, C>T on the plus strand (G>A on the coding strand, the complement: SIGLEC10 is on the minus strand). VCF-style: chr19-51415983-C-T. GRCh37 (hg19) VCF-style: chr19-51919237-C-T.
Other names: c.765G>A, p.Val255= (NM_001171159.2, NM_001171156.2); c.580+327G>A (NM_001171161.2); c.754+327G>A (NM_001322105.2); c.939G>A, p.Val313= (NM_001171157.2); c.795G>A, p.Val265= (NM_001171158.2).
Identifiers: ClinVar variation 2650376 (VCV002650376.24), dbSNP rs199590261, ClinGen allele CA9612110.
Genomic context (GRCh38, chr19:51,415,983, plus strand): 5'-CTGCTGGGAGCCAAGCCTGTTCTCCGCTCGGCAGGTGTAGCGCCCTGAATCCCCAGCCTT[C>T]ACCCCGGGCAGCTCCAGCCCCAGGGGTCTAGGGCCCCAGGGATGGGACGAGGAGAGGACT-3'
Protein context (NP_149121.2, residues 303-323): PRPLGLELPG[Val313=]KAGDSGRYTC